The following is an entry in ClinVar:

NM_017654.4(SAMD9):c.3527A>G (p.Glu1176Gly)

Gene: SAMD9 (sterile alpha motif domain containing 9; minus strand). Cytogenetic location: 7q21.2.
Variant type: single nucleotide variant.
Coding change: c.3527A>G on transcript NM_017654.4 (MANE Select); coding-DNA position 3527, A replaced by G.
Protein change: p.Glu1176Gly; replaces glutamic acid 1176 with glycine.
Molecular consequence: missense variant.
Genome position (GRCh38, 1-based): chr7:93,102,571, T>C on the plus strand (A>G on the coding strand, the complement: SAMD9 is on the minus strand). VCF-style: chr7-93102571-T-C. GRCh37 (hg19) VCF-style: chr7-92731884-T-C.
Other names: c.3527A>G, p.Glu1176Gly (NM_001193307.2); short protein forms E1176G.
Identifiers: ClinVar variation 4863886 (VCV004863886.1).

ClinVar aggregate classification (germline): Uncertain significance (1 of 4 stars; one submission).

Conditions:
Inborn genetic diseases. Identifiers: MedGen C0950123, MeSH D030342.

Submission:

Ambry Genetics
Classification: Uncertain significance for Inborn genetic diseases. Last evaluated: 2026-06-02. Review status: criteria provided, single submitter. Criteria: Ambry Variant Classification Scheme 2023. Collection method: clinical testing. Allele origin: germline.
Comment: The p.E1176G variant (also known as c.3527A>G), located in coding exon 1 of the SAMD9 gene, results from an A to G substitution at nucleotide position 3527. The glutamic acid at codon 1176 is replaced by glycine, an amino acid with similar properties. This amino acid position is conserved. In addition, this alteration is predicted to be tolerated by in silico analysis. Based on the available evidence, the clinical significance of this variant remains unclear.